The following is an entry in ClinVar:

NM_000091.5(COL4A3):c.991C>T (p.Gln331Ter)

Genes: MFF-DT (MFF divergent transcript; minus strand), COL4A3 (collagen type IV alpha 3 chain; plus strand). Cytogenetic location: 2q36.3.
Variant type: single nucleotide variant.
Coding change: c.991C>T on transcript NM_000091.5 (MANE Select); coding-DNA position 991, C replaced by T.
Protein change: p.Gln331Ter; replaces glutamine 331 with a stop codon.
Molecular consequence: nonsense.
Genome position (GRCh38, 1-based): chr2:227,257,606, C>T. VCF-style: chr2-227257606-C-T. GRCh37 (hg19) VCF-style: chr2-228122322-C-T.
Other names: c.991C>T (NM_000091.4); short protein forms Q331*.
Identifiers: ClinVar variation 984033 (VCV000984033.4), dbSNP rs768527987, ClinGen allele CA2146484.

ClinVar aggregate classification (germline): Likely pathogenic. Review status: criteria provided, multiple submitters, no conflicts (2 of 4 stars). 2 submissions from 2 submitters: Likely pathogenic (2). Last evaluated 2025-07-30.

Conditions:
Alport syndrome. Also called: Hemorrhagic familial nephritis; Hemorrhagic hereditary nephritis; Congenital hereditary hematuria. Identifiers: Orphanet 63, MedGen C1567741, MONDO:0018965.
Autosomal recessive Alport syndrome (ATS2). Also called: ALPORT SYNDROME 2, AUTOSOMAL RECESSIVE; Alport syndrome type 2; COL4A4 Alport Syndrome and Thin Basement Membrane Nephropathy; COL4A3-Related Nephropathy. Identifiers: Orphanet 63, Orphanet 88919, MedGen C4746745, MONDO:0008762, OMIM 203780.

Allele frequency attached by ClinVar (database versions not stated): gnomAD exomes below 0.00001; ExAC 0.00001.
gnomAD v4.1: 1 of 1,613,608 alleles (0.000062%); highest among the groups gnomAD compares: Non-Finnish European, 0.000085%; no homozygotes.

Submissions (2):

Natera, Inc.
Classification: Likely pathogenic for Alport syndrome. Last evaluated: 2025-07-30. Review status: criteria provided, single submitter. Criteria: Natera Variant Classification Schema (03/2026). Collection method: clinical testing. Allele origin: germline.
Comment: The c.991C>T variant in COL4A3 is a nonsense variant predicted to introduce a stop codon at amino acid 331. This variant is expected to result in nonsense mediated decay, truncation, or a dysfunctional protein product. This variant is rare in the general population with a frequency below the threshold expected for the associated phenotype(s). Given the available evidence, this variant is classified as Likely Pathogenic.

Myriad Genetics, Inc.
Classification: Likely pathogenic for Autosomal recessive Alport syndrome. Last evaluated: 2020-02-24. Review status: criteria provided, single submitter. Criteria: Myriad Women's Health Autosomal Recessive and X-Linked Classification Criteria (2019). Collection method: clinical testing. Allele origin: unknown.
Comment: NM_000091.4(COL4A3):c.991C>T(Q331*) is expected to be pathogenic in the context of COL4A3-related Alport syndrome. This variant is predicted to lead to an abnormal or absent protein product due to the creation of a premature termination codon in COL4A3, a gene where loss-of-function variants are known to be pathogenic. Please note: this variant was assessed in the context of healthy population screening.